The following is an entry in ClinVar:

ClinVar aggregate classification (germline): Pathogenic (1 of 4 stars; one submission).

Conditions:
Atypical hemolytic-uremic syndrome. Identifiers: Orphanet 2134, MedGen C2931788, MONDO:0016244.

Submission:

Genomenon, Inc
Classification: Pathogenic for Atypical hemolytic-uremic syndrome. Last evaluated: 2025-10-02. Review status: criteria provided, single submitter. Criteria: Genomenon Sequence Variant Interpretation Standards - Updated. Collection method: curation. Allele origin: germline. Affected: yes.
Comment: CFH p.Arg1182Ser (c.3546G>T) is a missense variant that changes the amino acid at residue 1182 from Arginine to Serine. This variant has been observed in at least one proband affected with atypical hemolytic-uremic syndrome (PMID:20059470;21717289). The variant was found to segregate with disease in at least one affected family (PMID:20059470). At least one functional study has demonstrated a substantial alteration in protein function relative to the wild-type (PMID:19454698). It is absent or not present at a significant frequency in gnomAD. In conclusion, we classify CFH p.Arg1182Ser (c.3546G>T) as a pathogenic variant.

Literature cited by the submitters: PubMed 20059470; PubMed 21717289; PubMed 19454698.

NM_000186.4(CFH):c.3546G>T (p.Arg1182Ser)

Gene: CFH (complement factor H; plus strand). Cytogenetic location: 1q31.3.
Variant type: single nucleotide variant.
Coding change: c.3546G>T on transcript NM_000186.4 (MANE Select); coding-DNA position 3546, G replaced by T.
Protein change: p.Arg1182Ser; replaces arginine 1182 with serine.
Molecular consequence: missense variant.
Genome position (GRCh38, 1-based): chr1:196,747,163, G>T. VCF-style: chr1-196747163-G-T. GRCh37 (hg19) VCF-style: chr1-196716293-G-T.
Other names: short protein forms R1182S.
Identifiers: ClinVar variation 4291668 (VCV004291668.1).